The following is an entry in ClinVar:

ClinVar aggregate classification (germline): Uncertain significance. Review status: criteria provided, multiple submitters, no conflicts (2 of 4 stars). 2 submissions from 2 submitters: Uncertain significance (2). Last evaluated 2024-05-02.

Conditions:
Inborn genetic diseases. Identifiers: MedGen C0950123, MeSH D030342.

Allele frequency attached by ClinVar (database versions not stated): gnomAD exomes below 0.00001; gnomAD 0.00001; TOPMed below 0.00001.

Submissions (2):

Ambry Genetics
Classification: Uncertain significance for Inborn genetic diseases. Last evaluated: 2024-05-02. Review status: criteria provided, single submitter. Criteria: Ambry Variant Classification Scheme 2023. Collection method: clinical testing. Allele origin: germline.

GeneDx
Classification: Uncertain significance. Last evaluated: 2017-02-28. Review status: criteria provided, single submitter. Criteria: GeneDx Variant Classification (06012015). Collection method: clinical testing. Allele origin: germline. Affected: yes.
Comment: A variant of uncertain significance has been identified in the FAM134B gene. The E270A variant has not been published as a pathogenic variant, nor has it been reported as a benign variant to our knowledge. The E270A variant is not observed in large population cohorts (Lek et al., 2016; 1000 Genomes Consortium et al., 2015; Exome Variant Server). The E270A variant is a non-conservative amino acid substitution, which is likely to impact secondary protein structure as these residues differ in polarity, charge, size and/or other properties. This substitution occurs at a position that is conserved in mammals; however, Alanine is observed at this position in evolution. Missense variants have not been reported in association with neuropathy (Stenson et al., 2014). In silico analysis is inconsistent in its predictions as to whether or not the variant is damaging to the protein structure/function. Therefore, based on the currently available information, it is unclear whether this variant is a pathogenic variant or a rare benign variant.

NM_001034850.3(RETREG1):c.809A>C (p.Glu270Ala)

Gene: RETREG1 (reticulophagy regulator 1; minus strand). Cytogenetic location: 5p15.1.
Variant type: single nucleotide variant.
Coding change: c.809A>C on transcript NM_001034850.3 (MANE Select); coding-DNA position 809, A replaced by C.
Protein change: p.Glu270Ala; replaces glutamic acid 270 with alanine.
Molecular consequence: missense variant.
Genome position (GRCh38, 1-based): chr5:16,478,098, T>G on the plus strand (A>C on the coding strand, the complement: RETREG1 is on the minus strand). VCF-style: chr5-16478098-T-G. GRCh37 (hg19) VCF-style: chr5-16478207-T-G.
Other names: c.386A>C, p.Glu129Ala (NM_019000.5); c.809A>C (NM_001034850.1); short protein forms E270A, E129A.
Identifiers: ClinVar variation 423694 (VCV000423694.3), dbSNP rs1064796582, ClinGen allele CA16618161.